The following is an entry in ClinVar:

NM_003239.5(TGFB3):c.440T>G (p.Phe147Cys)

Gene: TGFB3 (transforming growth factor beta 3; minus strand). Cytogenetic location: 14q24.3.
Variant type: single nucleotide variant.
Coding change: c.440T>G on transcript NM_003239.5 (MANE Select); coding-DNA position 440, T replaced by G.
Protein change: p.Phe147Cys; replaces phenylalanine 147 with cysteine.
Molecular consequence: missense variant.
Genome position (GRCh38, 1-based): chr14:75,971,631, A>C on the plus strand (T>G on the coding strand, the complement: TGFB3 is on the minus strand). VCF-style: chr14-75971631-A-C. GRCh37 (hg19) VCF-style: chr14-76437974-A-C.
Other names: c.440T>G, p.Phe147Cys (NM_001329938.2, NM_001329939.2); short protein forms F147C.
Identifiers: ClinVar variation 937966 (VCV000937966.16), dbSNP rs752691299, ClinGen allele CA7280448.

ClinVar aggregate classification (germline): Uncertain significance. Review status: criteria provided, multiple submitters, no conflicts (2 of 4 stars). 4 submissions from 4 submitters: Uncertain significance (4). Last evaluated 2026-06-27.

Conditions:
Familial thoracic aortic aneurysm and aortic dissection (TAAD). Also called: Thoracic aortic aneurysms and dissections. Identifiers: Orphanet 91387, MedGen C4707243, MONDO:0019625.
Rienhoff syndrome. Also called: LOEYS-DIETZ SYNDROME 5. Identifiers: MedGen C3810012, MONDO:0014262, OMIM 615582.

Allele frequency attached by ClinVar (database versions not stated): gnomAD exomes 0.00001 and below 0.00001; TOPMed 0.00001; ExAC 0.00001; gnomAD 0.00001.
gnomAD v4.1: 9 of 1,614,056 alleles (0.00056%); highest among the groups gnomAD compares: Non-Finnish European, 0.00076%; no homozygotes.

Submissions (4):

Ambry Genetics
Classification: Uncertain significance for Familial thoracic aortic aneurysm and aortic dissection. Last evaluated: 2026-06-27. Review status: criteria provided, single submitter. Criteria: Ambry Variant Classification Scheme 2023. Collection method: clinical testing. Allele origin: germline.
Comment: The p.F147C variant (also known as c.440T>G), located in coding exon 2 of the TGFB3 gene, results from a T to G substitution at nucleotide position 440. The phenylalanine at codon 147 is replaced by cysteine, an amino acid with highly dissimilar properties. This amino acid position is conserved. In addition, this alteration is predicted to be deleterious by in silico analysis. Based on the available evidence, the clinical significance of this variant remains unclear.

Labcorp Genetics (formerly Invitae), Labcorp
Classification: Uncertain significance for Rienhoff syndrome. Last evaluated: 2025-12-28. Review status: criteria provided, single submitter. Criteria: Invitae Variant Classification Sherloc (09022015). Collection method: clinical testing. Allele origin: germline.
Comment: This sequence change replaces phenylalanine, which is neutral and non-polar, with cysteine, which is neutral and slightly polar, at codon 147 of the TGFB3 protein (p.Phe147Cys). This variant is present in population databases (rs752691299, gnomAD 0.002%). This variant has not been reported in the literature in individuals affected with TGFB3-related conditions. ClinVar contains an entry for this variant (Variation ID: 937966). Invitae Evidence Modeling of protein sequence and biophysical properties (such as structural, functional, and spatial information, amino acid conservation, physicochemical variation, residue mobility, and thermodynamic stability) indicates that this missense variant is not expected to disrupt TGFB3 protein function with a negative predictive value of 80%. In summary, the available evidence is currently insufficient to determine the role of this variant in disease. Therefore, it has been classified as a Variant of Uncertain Significance.

GeneDx
Classification: Uncertain significance. Last evaluated: 2024-07-03. Review status: criteria provided, single submitter. Criteria: GeneDx Variant Classification Process June 2021. Collection method: clinical testing. Allele origin: germline. Affected: yes.
Comment: Has not been previously published as pathogenic or benign to our knowledge; Not observed at significant frequency in large population cohorts (gnomAD); In silico analysis indicates that this missense variant does not alter protein structure/function

ARUP Laboratories, Molecular Genetics and Genomics, ARUP Laboratories
Classification: Uncertain significance. Last evaluated: 2022-09-13. Review status: criteria provided, single submitter. Criteria: ARUP Molecular Germline Variant Investigation Process 2021. Collection method: clinical testing. Allele origin: germline.
Comment: The TGFB3 c.440T>G; p.Phe147Cys variant (rs752691299), to our knowledge, is not reported in the medical literature but is reported in ClinVar (Variation ID: 937966). This variant is only observed on two chromosomes in the Genome Aggregation Database (2/282846 alleles), indicating it is not a common polymorphism. The phenylalanine at codon 147 is highly conserved, but computational analyses are uncertain whether this variant is neutral or deleterious (REVEL: 0.586). Due to limited information, the clinical significance of the p.Phe147Cys variant is uncertain at this time.